The following is an entry in ClinVar:

NM_001283009.2(RTEL1):c.2797G>A (p.Ala933Thr)

Genes: RTEL1-TNFRSF6B (RTEL1-TNFRSF6B readthrough (NMD candidate); plus strand), RTEL1 (regulator of telomere elongation helicase 1; plus strand). Cytogenetic location: 20q13.33.
Variant type: single nucleotide variant.
Coding change: c.2797G>A on transcript NM_001283009.2 (MANE Select); coding-DNA position 2797, G replaced by A.
Protein change: p.Ala933Thr; replaces alanine 933 with threonine.
Molecular consequence: missense variant. On other transcripts: non-coding transcript variant (1).
Genome position (GRCh38, 1-based): chr20:63,692,949, G>A. VCF-style: chr20-63692949-G-A. GRCh37 (hg19) VCF-style: chr20-62324302-G-A.
Other names: c.2128G>A, p.Ala710Thr (NM_001283010.1); c.2797G>A, p.Ala933Thr (NM_016434.4); c.2869G>A, p.Ala957Thr (NM_032957.5); short protein forms A957T, A710T, A933T.
Identifiers: ClinVar variation 968120 (VCV000968120.11), dbSNP rs781430438, ClinGen allele CA317520809.

ClinVar aggregate classification (germline): Uncertain significance. Review status: criteria provided, multiple submitters, no conflicts (2 of 4 stars). 3 submissions from 3 submitters: Uncertain significance (2). 1 of the submissions does not count toward it. Last evaluated 2025-03-16.

Conditions:
Inborn genetic diseases. Identifiers: MedGen C0950123, MeSH D030342.
Dyskeratosis congenita, autosomal recessive 5 (DKCB5). Identifiers: MedGen C3554656, MONDO:0014076, OMIM 615190.
Pulmonary fibrosis and/or bone marrow failure, Telomere-related, 3. Also called: PULMONARY FIBROSIS AND/OR BONE MARROW FAILURE SYNDROME, TELOMERE-RELATED, 3. Identifiers: Orphanet 2032, MedGen C4225346, MONDO:0014613, OMIM 616373.
Dyskeratosis congenita. Identifiers: Orphanet 1775, MedGen C0265965, MONDO:0015780.

Allele frequency attached by ClinVar (database versions not stated): TOPMed 0.00003.

Submissions (3):

Labcorp Genetics (formerly Invitae), Labcorp
Classification: Uncertain significance for Dyskeratosis congenita, autosomal recessive 5; Pulmonary fibrosis and/or bone marrow failure, Telomere-related, 3. Last evaluated: 2025-03-16. Review status: criteria provided, single submitter. Criteria: Invitae Variant Classification Sherloc (09022015). Collection method: clinical testing. Allele origin: germline.
Comment: This sequence change replaces alanine, which is neutral and non-polar, with threonine, which is neutral and polar, at codon 933 of the RTEL1 protein (p.Ala933Thr). This variant is present in population databases (no rsID available, gnomAD 0.007%). This variant has not been reported in the literature in individuals affected with RTEL1-related conditions. ClinVar contains an entry for this variant (Variation ID: 968120). An algorithm developed to predict the effect of missense changes on protein structure and function outputs the following: PolyPhen-2: "Benign". The threonine amino acid residue is found in multiple mammalian species, which suggests that this missense change does not adversely affect protein function. In summary, the available evidence is currently insufficient to determine the role of this variant in disease. Therefore, it has been classified as a Variant of Uncertain Significance.

Ambry Genetics
Classification: Uncertain significance for Inborn genetic diseases. Last evaluated: 2025-02-24. Review status: criteria provided, single submitter. Criteria: Ambry Variant Classification Scheme 2023. Collection method: clinical testing. Allele origin: germline.
Comment: The p.A933T variant (also known as c.2797G>A), located in coding exon 28 of the RTEL1 gene, results from a G to A substitution at nucleotide position 2797. The alanine at codon 933 is replaced by threonine, an amino acid with similar properties. This amino acid position is conserved. In addition, this alteration is predicted to be tolerated by in silico analysis. Based on the available evidence, the clinical significance of this variant remains unclear.

Natera, Inc.
Classification: Uncertain significance for Dyskeratosis congenita. Last evaluated: 2020-06-03. Review status: no assertion criteria provided. Collection method: clinical testing. Allele origin: germline. Not counted in ClinVar's aggregate classification.